The following is an entry in ClinVar:

ClinVar aggregate classification (germline): Uncertain significance (1 of 4 stars; one submission).

gnomAD v4.1: 2 of 1,613,384 alleles (0.00012%); highest among the groups gnomAD compares: Non-Finnish European, 0.00017%; no homozygotes.

Submission:

Labcorp Genetics (formerly Invitae), Labcorp
Classification: Uncertain significance. Last evaluated: 2024-12-08. Review status: criteria provided, single submitter. Criteria: Invitae Variant Classification Sherloc (09022015). Collection method: clinical testing. Allele origin: germline.
Comment: This sequence change replaces arginine, which is basic and polar, with tryptophan, which is neutral and slightly polar, at codon 6 of the NTRK2 protein (p.Arg6Trp). This variant is not present in population databases (gnomAD no frequency). This variant has not been reported in the literature in individuals affected with NTRK2-related conditions. Invitae Evidence Modeling of protein sequence and biophysical properties (such as structural, functional, and spatial information, amino acid conservation, physicochemical variation, residue mobility, and thermodynamic stability) indicates that this missense variant is not expected to disrupt NTRK2 protein function with a negative predictive value of 95%. In summary, the available evidence is currently insufficient to determine the role of this variant in disease. Therefore, it has been classified as a Variant of Uncertain Significance.

NM_006180.6(NTRK2):c.16A>T (p.Arg6Trp)

Gene: NTRK2 (neurotrophic receptor tyrosine kinase 2; plus strand). Cytogenetic location: 9q21.33.
Variant type: single nucleotide variant.
Coding change: c.16A>T on transcript NM_006180.6 (MANE Select); coding-DNA position 16, A replaced by T.
Protein change: p.Arg6Trp; replaces arginine 6 with tryptophan.
Molecular consequence: missense variant.
Genome position (GRCh38, 1-based): chr9:84,670,764, A>T. VCF-style: chr9-84670764-A-T. GRCh37 (hg19) VCF-style: chr9-87285679-A-T.
Other names: c.16A>T, p.Arg6Trp (NM_001007097.3, NM_001018064.3, NM_001018065.2 and 18 more transcripts); short protein forms R6W.
Identifiers: ClinVar variation 3635818 (VCV003635818.2).